The following is an entry in ClinVar:

ClinVar aggregate classification (germline): Uncertain significance (1 of 4 stars; one submission).

Allele frequency attached by ClinVar (database versions not stated): gnomAD exomes below 0.00001.
gnomAD v4.1: 1 of 1,603,518 alleles (0.000062%); highest among the groups gnomAD compares: Non-Finnish European, 0.000085%; no homozygotes.

Submission:

Labcorp Genetics (formerly Invitae), Labcorp
Classification: Uncertain significance. Last evaluated: 2022-02-12. Review status: criteria provided, single submitter. Criteria: Invitae Variant Classification Sherloc (09022015). Collection method: clinical testing. Allele origin: germline.
Comment: This variant has not been reported in the literature in individuals affected with MME-related conditions. In summary, the available evidence is currently insufficient to determine the role of this variant in disease. Therefore, it has been classified as a Variant of Uncertain Significance. Algorithms developed to predict the effect of missense changes on protein structure and function (SIFT, PolyPhen-2, Align-GVGD) all suggest that this variant is likely to be tolerated. This variant is not present in population databases (gnomAD no frequency). This sequence change replaces isoleucine, which is neutral and non-polar, with threonine, which is neutral and polar, at codon 666 of the MME protein (p.Ile666Thr).

NM_007289.4(MME):c.1997T>C (p.Ile666Thr)

Gene: MME (membrane metalloendopeptidase; plus strand). Cytogenetic location: 3q25.2.
Variant type: single nucleotide variant.
Coding change: c.1997T>C on transcript NM_007289.4 (MANE Select); coding-DNA position 1997, T replaced by C.
Protein change: p.Ile666Thr; replaces isoleucine 666 with threonine.
Molecular consequence: missense variant.
Genome position (GRCh38, 1-based): chr3:155,172,133, T>C. VCF-style: chr3-155172133-T-C. GRCh37 (hg19) VCF-style: chr3-154889922-T-C.
Other names: c.1997T>C, p.Ile666Thr (NM_007288.3, NM_000902.5, NM_001354642.2 and 2 more transcripts); short protein forms I666T.
Identifiers: ClinVar variation 1515885 (VCV001515885.8), dbSNP rs61760406, ClinGen allele CA86316109.